The following is an entry in ClinVar:

ClinVar aggregate classification (germline): Benign. Review status: criteria provided, single submitter (1 of 4 stars). 2 submissions from 2 submitters: Benign (1). 1 of the submissions does not count toward it. Last evaluated 2019-12-31.

Conditions:
CHD1L-related disorder. Also called: CHD1L-related condition.

Allele frequency attached by ClinVar (database versions not stated): gnomAD exomes 0.00134 and 0.00376; ExAC 0.00454; gnomAD 0.01420 and 0.01520; TOPMed 0.01584; ESP Exome Variant Server 0.01613; 1000 Genomes Project 0.01797; 1000 Genomes Project 30x 0.02046.

Submissions (2):

Labcorp Genetics (formerly Invitae), Labcorp
Classification: Benign. Last evaluated: 2019-12-31. Review status: criteria provided, single submitter. Criteria: Invitae Variant Classification Sherloc (09022015). Collection method: clinical testing. Allele origin: germline.

PreventionGenetics, part of Exact Sciences
Classification: Benign for CHD1L-related condition. Last evaluated: 2019-03-26. Review status: no assertion criteria provided. Collection method: clinical testing. Allele origin: germline. Not counted in ClinVar's aggregate classification.
Comment: This variant is classified as benign based on ACMG/AMP sequence variant interpretation guidelines (Richards et al. 2015 PMID: 25741868, with internal and published modifications).

NM_004284.6(CHD1L):c.495-4dup

Gene: CHD1L (chromodomain helicase DNA binding protein 1 like; plus strand). Cytogenetic location: 1q21.1.
Variant type: Duplication.
Coding change: c.495-4dup on transcript NM_004284.6 (MANE Select); 4 bases into the intron before coding-DNA position 495, one base duplicated (A; older notation c.495-4dupA).
Molecular consequence: intron variant.
Genome position (GRCh38, 1-based): chr1:147,259,833, A duplicated. VCF-style (leftmost placement, unchanged base first): chr1-147259832-C-CA. GRCh37 (hg19) VCF-style: chr1-146731486-C-CA.
Other names: c.279-4dup (NM_001348451.2, NM_001348452.2); c.-342-4dup (NM_001348462.2, NM_001348457.2, NM_001348459.2 and 1 more transcripts); c.-186-4dup (NM_001348460.2, NM_001348461.2, NM_001256337.3); c.-268+3271dup (NM_001348465.2, NM_001348464.2); c.-261+3271dup (NM_001348458.2); c.6-4dup (NM_001348455.2); c.156-4dup (NM_024568.4, NM_001348453.2); c.195-4dup (NM_001256336.3); and 5 more.
Identifiers: ClinVar variation 783295 (VCV000783295.6), dbSNP rs148070462, ClinGen allele CA1063321.